The following is an entry in ClinVar:

ClinVar aggregate classification (germline): Conflicting classifications of pathogenicity. Review status: criteria provided, conflicting classifications (1 of 4 stars). 8 submissions from 6 submitters: Uncertain significance (2); Benign (1); Likely benign (5). Last evaluated 2025-12-08.

Conditions:
Myosin storage myopathy (CMYO7A). Also called: MYOPATHY, HYALINE BODY, AUTOSOMAL DOMINANT; MYOPATHY WITH LYSIS OF TYPE I MYOFIBRILS; SCAPULOPERONEAL MUSCULAR DYSTROPHY; SCAPULOPERONEAL SYNDROME, MYOPATHIC TYPE; MYH7-related late-onset scapuloperoneal muscular dystrophy; Congenital myopathy 7A, myosin storage, autosomal dominant. Identifiers: Orphanet 437572, Orphanet 636965, MedGen C1842160, MONDO:0008409, OMIM 608358.
Hypertrophic cardiomyopathy 1 (CMH1). Also called: MYH7-Related Familial Hypertrophic Cardiomyopathy; Familial hypertrophic cardiomyopathy 1. Identifiers: MedGen C3495498, MONDO:0008647, OMIM 192600.
Cardiomyopathy (CMYO). Also called: Cardiomyopathies. Identifiers: Orphanet 167848, MedGen C0878544, MONDO:0004994, HP:0001638. Inheritance: Various modes of inheritance.
MYH7-related skeletal myopathy. Also called: Laing distal myopathy; Myopathy, distal, 1; MYOPATHY, DISTAL, EARLY-ONSET, AUTOSOMAL DOMINANT; MYOPATHY, LATE DISTAL HEREDITARY; Laing early-onset distal myopathy. Identifiers: Orphanet 59135, MedGen C4552004, MONDO:0008050, OMIM 160500.
Hypertrophic cardiomyopathy. Also called: HYPERTROPHIC MYOCARDIOPATHY. Identifiers: Orphanet 217569, MedGen C0007194, MeSH D002312, MONDO:0005045, HP:0001639.

Allele frequency attached by ClinVar (database versions not stated): gnomAD exomes 0.00001 and 0.00004; ExAC 0.00002; TOPMed 0.00002; gnomAD 0.00003 and 0.00004.

Submissions (8):

Labcorp Genetics (formerly Invitae), Labcorp
Classification: Likely benign for Hypertrophic cardiomyopathy. Last evaluated: 2025-12-08. Review status: criteria provided, single submitter. Criteria: Invitae Variant Classification Sherloc (09022015). Collection method: clinical testing. Allele origin: germline.

All of Us Research Program, National Institutes of Health
Classification: Likely benign for Cardiomyopathy. Last evaluated: 2024-03-24. Review status: criteria provided, single submitter. Criteria: ACMG Guidelines, 2015. Collection method: clinical testing. Allele origin: germline. Inheritance: Autosomal dominant inheritance. Observed: 2 variant alleles, 2 heterozygotes.
Comment: This study involves interpretation of variants in research participants for the purpose of population health screening. Participant phenotype was not available at the time of variant classification. Additional details can be found in publication PMID: 35346344, PMCID: PMC8962531

Phosphorus, Inc.
Classification: Likely benign. Last evaluated: 2022-01-19. Review status: criteria provided, single submitter. Criteria: ACMG Guidelines, 2015. Collection method: clinical testing. Allele origin: germline. Inheritance: Autosomal dominant inheritance.
Comment: This synonymous variant has an entry in ClinVar (701138) NM_000257.4 (MYH7): c.1368C>T (p.Phe456=) and has occurred in GnomAD with a total MAF of 0.0045% and highest MAF of 0.0580% in the East Asian population. This position is conserved. In silico splicing algorithm was unavailable, however it is not predicted to impact splicing due to its distance from the splice site. No functional studies were performed to confirm this prediction. The variant has previously been reported in a patient affected with hypertrophic cardiomyopathy (PMID: 27841901). Considering the above evidence, this variant has been classified as Likely Benign.

CHEO Genetics Diagnostic Laboratory, Children's Hospital of Eastern Ontario
Classification: Likely benign for Cardiomyopathy. Last evaluated: 2020-02-19. Review status: criteria provided, single submitter. Criteria: ACMG Guidelines, 2015. Collection method: clinical testing. Allele origin: germline.

Color Diagnostics, LLC DBA Color Health
Classification: Likely benign for Cardiomyopathy. Last evaluated: 2018-12-16. Review status: criteria provided, single submitter. Criteria: ACMG Guidelines, 2015. Collection method: clinical testing. Allele origin: germline.

Illumina Laboratory Services, Illumina
Classification: Uncertain significance for Hypertrophic cardiomyopathy 1. Last evaluated: 2018-01-13. Review status: criteria provided, single submitter. Criteria: ICSL Variant Classification Criteria 13 December 2019. Collection method: clinical testing. Allele origin: germline.

Illumina Laboratory Services, Illumina
Classification: Uncertain significance for Myosin storage myopathy. Last evaluated: 2018-01-13. Review status: criteria provided, single submitter. Criteria: ICSL Variant Classification Criteria 13 December 2019. Collection method: clinical testing. Allele origin: germline.

Illumina Laboratory Services, Illumina
Classification: Benign for MYH7-related skeletal myopathy. Last evaluated: 2018-01-13. Review status: criteria provided, single submitter. Criteria: ICSL Variant Classification Criteria 13 December 2019. Collection method: clinical testing. Allele origin: germline.
Comment: This variant was observed in the ICSL laboratory as part of a predisposition screen in an ostensibly healthy population. It had not been previously curated by ICSL or reported in the Human Gene Mutation Database (HGMD: prior to June 1st, 2018), and was therefore a candidate for classification through an automated scoring system. Utilizing variant allele frequency, disease prevalence and penetrance estimates, and inheritance mode, an automated score was calculated to assess if this variant is too frequent to cause the disease. Based on the score and internal cut-off values, a variant classified as benign is not then subjected to further curation. The score for this variant resulted in a classification of benign for this disease.

NM_000257.4(MYH7):c.1368C>T (p.Phe456=)

Gene: MYH7 (myosin heavy chain 7; minus strand). Cytogenetic location: 14q11.2.
Variant type: single nucleotide variant.
Coding change: c.1368C>T on transcript NM_000257.4 (MANE Select); coding-DNA position 1368, C replaced by T.
Protein change: p.Phe456=; no amino-acid change (phenylalanine 456 retained).
Molecular consequence: synonymous variant.
Genome position (GRCh38, 1-based): chr14:23,428,994, G>A on the plus strand (C>T on the coding strand, the complement: MYH7 is on the minus strand). VCF-style: chr14-23428994-G-A. GRCh37 (hg19) VCF-style: chr14-23898203-G-A.
Identifiers: ClinVar variation 701138 (VCV000701138.20), dbSNP rs766216871, ClinGen allele CA028274.